The following is an entry in ClinVar:

NM_000083.3(CLCN1):c.2172+1G>C

Gene: CLCN1 (chloride voltage-gated channel 1; plus strand). Cytogenetic location: 7q34.
Variant type: single nucleotide variant.
Coding change: c.2172+1G>C on transcript NM_000083.3 (MANE Select); the canonical splice donor site of the intron after coding-DNA position 2172, G replaced by C.
Molecular consequence: splice donor variant.
Genome position (GRCh38, 1-based): chr7:143,345,763, G>C. VCF-style: chr7-143345763-G-C. GRCh37 (hg19) VCF-style: chr7-143042856-G-C.
Identifiers: ClinVar variation 2921317 (VCV002921317.3), dbSNP rs1273524525, ClinGen allele CA369650842.
Genomic context (GRCh38, chr7:143,345,763, plus strand): 5'-CCCGAGTCCTTCGCCTTTGTGGATGAGGATGAGGACGAAGACCTCTCTGGCAAGAGCGAG[G>C]TGACCGCGCCGGGAAGGGCTAGGGAGTGGGATAGATCAGGAGCAAAGGGAAAAGCGTCGT-3'

ClinVar aggregate classification (germline): Pathogenic (1 of 4 stars; one submission).

Conditions:
Congenital myotonia, autosomal dominant form (THD). Also called: THOMSEN DISEASE; Myotonia congenita autosomal dominant. Identifiers: Orphanet 614, MedGen C2936781, MONDO:0008055, OMIM 160800.
Congenital myotonia, autosomal recessive form. Also called: BECKER DISEASE; Becker Generalized Myotonia; myotonia congenita, autosomal recessive. Identifiers: Orphanet 614, MedGen C0751360, MONDO:0009715, OMIM 255700.

Submission:

Labcorp Genetics (formerly Invitae), Labcorp
Classification: Pathogenic for Congenital myotonia, autosomal recessive form; Congenital myotonia, autosomal dominant form. Last evaluated: 2023-12-11. Review status: criteria provided, single submitter. Criteria: Invitae Variant Classification Sherloc (09022015). Collection method: clinical testing. Allele origin: germline.
Comment: This sequence change affects a donor splice site in intron 17 of the CLCN1 gene. RNA analysis indicates that disruption of this splice site induces altered splicing and likely results in a shortened protein product. This variant is not present in population databases (gnomAD no frequency). Disruption of this splice site has been observed in individuals with autosomal recessive myotonia congenita (PMID: 15116370; Invitae). Studies have shown that disruption of this splice site results in skipping of skipping of exon 17, but is expected to preserve the integrity of the reading-frame (PMID: 15116370). For these reasons, this variant has been classified as Pathogenic.

Literature cited by the submitters: PubMed 15116370.